The following is an entry in ClinVar:

ClinVar aggregate classification (germline): Likely benign. Review status: criteria provided, multiple submitters, no conflicts (2 of 4 stars). 3 submissions from 3 submitters: Likely benign (2). 1 of the submissions does not count toward it. Last evaluated 2025-10-29.

Conditions:
FEZF1-related disorder. Also called: FEZF1-related condition.

Allele frequency attached by ClinVar (database versions not stated): gnomAD 0.00011; TOPMed 0.00014; ExAC 0.00015; gnomAD exomes 0.00016 and 0.00019; ESP Exome Variant Server 0.00023.

Submissions (3):

Labcorp Genetics (formerly Invitae), Labcorp
Classification: Likely benign. Last evaluated: 2025-10-29. Review status: criteria provided, single submitter. Criteria: Invitae Variant Classification Sherloc (09022015). Collection method: clinical testing. Allele origin: germline.

Blueprint Genetics
Classification: Likely benign. Last evaluated: 2024-03-07. Review status: criteria provided, single submitter. Criteria: ACMG Guidelines, 2015. Collection method: clinical testing. Allele origin: germline.

PreventionGenetics, part of Exact Sciences
Classification: Likely benign for FEZF1-related condition. Last evaluated: 2021-12-30. Review status: no assertion criteria provided. Collection method: clinical testing. Allele origin: germline. Not counted in ClinVar's aggregate classification.
Comment: This variant is classified as likely benign based on ACMG/AMP sequence variant interpretation guidelines (Richards et al. 2015 PMID: 25741868, with internal and published modifications).

NM_001024613.4(FEZF1):c.780C>T (p.Phe260=)

Genes: FEZF1 (FEZ family zinc finger 1; minus strand), FEZF1-AS1 (FEZF1 antisense RNA 1; plus strand). Cytogenetic location: 7q31.32.
Variant type: single nucleotide variant.
Coding change: c.780C>T on transcript NM_001024613.4 (MANE Select); coding-DNA position 780, C replaced by T.
Protein change: p.Phe260=; no amino-acid change (phenylalanine 260 retained).
Molecular consequence: synonymous variant. On other transcripts: non-coding transcript variant (1).
Genome position (GRCh38, 1-based): chr7:122,303,658, G>A on the plus strand (C>T on the coding strand, the complement: FEZF1 is on the minus strand). VCF-style: chr7-122303658-G-A. GRCh37 (hg19) VCF-style: chr7-121943712-G-A.
Other names: c.630C>T, p.Phe210= (NM_001160264.3).
Identifiers: ClinVar variation 734305 (VCV000734305.10), dbSNP rs369460018, ClinGen allele CA4458933.
Genomic context (GRCh38, chr7:122,303,658, plus strand): 5'-GGAGGGAAGGAAAGGATCTCCGTTTTGCATTGTACTTGCCTTTCCACACACTTCGCAAGT[G>A]AAAACTTTGGGCTTGGCATTAGGAGAGCCTCGGCTGAAATCCGAGGTTTTGAACGCGATT-3'
Protein context (NP_001019784.2, residues 250-270): RGSPNAKPKV[Phe260=]TCEVCGKVFN